The following is an entry in ClinVar:

NM_017882.3(CLN6):c.322C>G (p.Leu108Val)

Gene: CLN6 (CLN6 transmembrane ER protein; minus strand). Cytogenetic location: 15q23.
Variant type: single nucleotide variant.
Coding change: c.322C>G on transcript NM_017882.3 (MANE Select); coding-DNA position 322, C replaced by G.
Protein change: p.Leu108Val; replaces leucine 108 with valine.
Molecular consequence: missense variant.
Genome position (GRCh38, 1-based): chr15:68,211,839, G>C on the plus strand (C>G on the coding strand, the complement: CLN6 is on the minus strand). VCF-style: chr15-68211839-G-C. GRCh37 (hg19) VCF-style: chr15-68504177-G-C.
Other names: p.L108V:CTG>GTG; short protein forms L108V.
Identifiers: ClinVar variation 205166 (VCV000205166.5), dbSNP rs796052353, ClinGen allele CA313962.
Genomic context (GRCh38, chr15:68,211,839, plus strand): 5'-GGTGGATGCTGGCACCCATGATGAAGATGATGATGCTCACGTACGTGATGGAGCGTGGCA[G>C]GGTGCGGGGGGACCGCTCGATGAGCTGGGGTTCAGAGTGGGGTTGGCAGCATGACCCCAC-3'
Protein context (NP_060352.1, residues 98-118): LKLIERSPRT[Leu108Val]PRSITYVSII

ClinVar aggregate classification (germline): Uncertain significance. Review status: criteria provided, multiple submitters, no conflicts (2 of 4 stars). 2 submissions from 2 submitters: Uncertain significance (2). Last evaluated 2022-03-04.

Conditions:
Neuronal ceroid lipofuscinosis. Also called: Neuronal Ceroid Lipofuscinoses. Identifiers: Orphanet 216, Orphanet 79263, MedGen C0027877, MONDO:0016295. Disease mechanism: loss of function.

Allele frequency attached by ClinVar (database versions not stated): gnomAD 0.00001; gnomAD exomes 0.00001; TOPMed 0.00001.
gnomAD v4.1: 29 of 1,613,722 alleles (0.0018%); highest among the groups gnomAD compares: Non-Finnish European, 0.0023%; no homozygotes.

Submissions (2):

Labcorp Genetics (formerly Invitae), Labcorp
Classification: Uncertain significance for Neuronal ceroid lipofuscinosis. Last evaluated: 2022-03-04. Review status: criteria provided, single submitter. Criteria: Invitae Variant Classification Sherloc (09022015). Collection method: clinical testing. Allele origin: germline.
Comment: This sequence change replaces leucine, which is neutral and non-polar, with valine, which is neutral and non-polar, at codon 108 of the CLN6 protein (p.Leu108Val). This variant is present in population databases (rs796052353, gnomAD 0.007%). This variant has not been reported in the literature in individuals affected with CLN6-related conditions. ClinVar contains an entry for this variant (Variation ID: 205166). Algorithms developed to predict the effect of missense changes on protein structure and function (SIFT, PolyPhen-2, Align-GVGD) all suggest that this variant is likely to be disruptive. In summary, the available evidence is currently insufficient to determine the role of this variant in disease. Therefore, it has been classified as a Variant of Uncertain Significance.

GeneDx
Classification: Uncertain significance. Last evaluated: 2019-11-25. Review status: criteria provided, single submitter. Criteria: GeneDx Variant Classification Process June 2021. Collection method: clinical testing. Allele origin: germline. Affected: yes.
Comment: Not observed at a significant frequency in large population cohorts (Lek et al., 2016); In silico analysis, which includes protein predictors and evolutionary conservation, supports that this variant does not alter protein structure/function; Has not been previously published as pathogenic or benign to our knowledge; Missense variants in nearby residues reported in the Human Gene Mutation Database (Stenson et al., 2014)